The following is an entry in ClinVar:

NM_004320.6(ATP2A1):c.1185-95C>T

Gene: ATP2A1 (ATPase sarcoplasmic/endoplasmic reticulum Ca2+ transporting 1; plus strand). Cytogenetic location: 16p11.2.
Variant type: single nucleotide variant.
Coding change: c.1185-95C>T on transcript NM_004320.6 (MANE Select); 95 bases into the intron before coding-DNA position 1185, C replaced by T.
Molecular consequence: intron variant.
Genome position (GRCh38, 1-based): chr16:28,894,410, C>T. VCF-style: chr16-28894410-C-T. GRCh37 (hg19) VCF-style: chr16-28905731-C-T.
Other names: c.1185-95C>T (NM_173201.5); c.810-95C>T (NM_001286075.2).
Identifiers: ClinVar variation 679428 (VCV000679428.1), dbSNP rs114754480, ClinGen allele CA279235878.

ClinVar aggregate classification (germline): Likely benign (1 of 4 stars; one submission).

Allele frequency attached by ClinVar (database versions not stated): gnomAD exomes 0.00045; 1000 Genomes Project 0.00399; 1000 Genomes Project 30x 0.00515; gnomAD 0.00517 and 0.00553; TOPMed 0.00543.
gnomAD v4.1: 1,335 of 1,344,522 alleles (0.099%); highest among the groups gnomAD compares: African/African-American, 1.8%; 11 homozygotes.

Submission:

GeneDx
Classification: Likely benign. Last evaluated: 2018-06-19. Review status: criteria provided, single submitter. Criteria: GeneDx Variant Classification (06012015). Collection method: clinical testing. Allele origin: germline. Affected: yes.
Comment: This variant is considered likely benign or benign based on one or more of the following criteria: it is a conservative change, it occurs at a poorly conserved position in the protein, it is predicted to be benign by multiple in silico algorithms, and/or has population frequency not consistent with disease.